The following is an entry in ClinVar:

ClinVar aggregate classification (germline): Conflicting classifications of pathogenicity. Review status: criteria provided, conflicting classifications (1 of 4 stars). 3 submissions from 3 submitters: Uncertain significance (1); Likely benign (2). Last evaluated 2025-06-29.

Conditions:
Hereditary cancer-predisposing syndrome. Also called: Tumor predisposition; Hereditary neoplastic syndrome; Neoplastic Syndromes, Hereditary; Hereditary Cancer Syndrome. Identifiers: Orphanet 140162, MedGen C0027672, MeSH D009386, MONDO:0015356.
Gorlin syndrome. Also called: Basal cell nevus syndrome; Nevoid Basal Cell Carcinoma Syndrome. Identifiers: Orphanet 377, MedGen C0004779, MONDO:0007187.

Allele frequency attached by ClinVar (database versions not stated): gnomAD exomes below 0.00001.

Submissions (3):

Labcorp Genetics (formerly Invitae), Labcorp
Classification: Likely benign for Gorlin syndrome. Last evaluated: 2025-06-29. Review status: criteria provided, single submitter. Criteria: Invitae Variant Classification Sherloc (09022015). Collection method: clinical testing. Allele origin: germline.

Quest Diagnostics Nichols Institute San Juan Capistrano
Classification: Uncertain significance. Last evaluated: 2023-11-30. Review status: criteria provided, single submitter. Criteria: Quest Diagnostics criteria. Collection method: clinical testing. Allele origin: unknown.
Comment: The PTCH1 c.1356T>C (p.Tyr452=) synonymous variant has not been reported in individuals with PTCH1-related conditions in the published literature. It also has not been reported in large, multi-ethnic general populations (Genome Aggregation Database). Analysis of this variant using software algorithms for the prediction of the effect of nucleotide changes on splicing yielded predictions that this variant does not affect PTCH1 mRNA splicing. Based on the available information, we are unable to determine the clinical significance of this variant.

Ambry Genetics
Classification: Likely benign for Hereditary cancer-predisposing syndrome. Last evaluated: 2021-01-22. Review status: criteria provided, single submitter. Criteria: Ambry Variant Classification Scheme 2023. Collection method: clinical testing. Allele origin: germline.

NM_000264.5(PTCH1):c.1356T>C (p.Tyr452=)

Gene: PTCH1 (patched 1; minus strand). Cytogenetic location: 9q22.32.
Variant type: single nucleotide variant.
Coding change: c.1356T>C on transcript NM_000264.5 (MANE Select); coding-DNA position 1356, T replaced by C.
Protein change: p.Tyr452=; no amino-acid change (tyrosine 452 retained).
Molecular consequence: synonymous variant. On other transcripts: non-coding transcript variant (1), intron variant (1).
Genome position (GRCh38, 1-based): chr9:95,477,694, A>G on the plus strand (T>C on the coding strand, the complement: PTCH1 is on the minus strand). VCF-style: chr9-95477694-A-G. GRCh37 (hg19) VCF-style: chr9-98239976-A-G.
Other names: c.1158T>C, p.Tyr386= (NM_001083602.3); c.1353T>C, p.Tyr451= (NM_001083603.3); c.903T>C, p.Tyr301= (NM_001083604.3, NM_001083605.3, NM_001083606.3 and 1 more transcripts); c.1347+361T>C (NM_001354918.2); c.1356T>C (NM_000264.4).
Identifiers: ClinVar variation 1530871 (VCV001530871.11), dbSNP rs2118311917, ClinGen allele CA466120653.